The following is an entry in ClinVar:

ClinVar aggregate classification (germline): Uncertain significance (1 of 4 stars; one submission).

Submission:

Labcorp Genetics (formerly Invitae), Labcorp
Classification: Uncertain significance. Last evaluated: 2022-09-13. Review status: criteria provided, single submitter. Criteria: Invitae Variant Classification Sherloc (09022015). Collection method: clinical testing. Allele origin: germline.
Comment: This sequence change replaces proline, which is neutral and non-polar, with arginine, which is basic and polar, at codon 714 of the PACS2 protein (p.Pro714Arg). This variant is not present in population databases (gnomAD no frequency). This variant has not been reported in the literature in individuals affected with PACS2-related conditions. ClinVar contains an entry for this variant (Variation ID: 1514713). Advanced modeling of protein sequence and biophysical properties (such as structural, functional, and spatial information, amino acid conservation, physicochemical variation, residue mobility, and thermodynamic stability) has been performed at Invitae for this missense variant, however the output from this modeling did not meet the statistical confidence thresholds required to predict the impact of this variant on PACS2 protein function. In summary, the available evidence is currently insufficient to determine the role of this variant in disease. Therefore, it has been classified as a Variant of Uncertain Significance.

NM_001100913.3(PACS2):c.2141C>G (p.Pro714Arg)

Gene: PACS2 (phosphofurin acidic cluster sorting protein 2; plus strand). Cytogenetic location: 14q32.33.
Variant type: single nucleotide variant.
Coding change: c.2141C>G on transcript NM_001100913.3 (MANE Select); coding-DNA position 2141, C replaced by G.
Protein change: p.Pro714Arg; replaces proline 714 with arginine.
Molecular consequence: missense variant.
Genome position (GRCh38, 1-based): chr14:105,391,652, C>G. VCF-style: chr14-105391652-C-G. GRCh37 (hg19) VCF-style: chr14-105857989-C-G.
Other names: c.1871C>G, p.Pro624Arg (NM_001243127.3); c.2096C>G, p.Pro699Arg (NM_015197.4); short protein forms P624R, P714R, P699R.
Identifiers: ClinVar variation 1514713 (VCV001514713.6), dbSNP rs1555414866, ClinGen allele CA391185734.